The following is an entry in ClinVar:

NM_012106.4(ARL2BP):c.120A>T (p.Leu40Phe)

Gene: ARL2BP (ARF like GTPase 2 binding protein; plus strand). Cytogenetic location: 16q13.
Variant type: single nucleotide variant.
Coding change: c.120A>T on transcript NM_012106.4 (MANE Select); coding-DNA position 120, A replaced by T.
Protein change: p.Leu40Phe; replaces leucine 40 with phenylalanine.
Molecular consequence: missense variant.
Genome position (GRCh38, 1-based): chr16:57,248,556, A>T. VCF-style: chr16-57248556-A-T. GRCh37 (hg19) VCF-style: chr16-57282468-A-T.
Other names: short protein forms L40F.
Identifiers: ClinVar variation 2162529 (VCV002162529.4), dbSNP rs186308074, ClinGen allele CA8074866.

ClinVar aggregate classification (germline): Uncertain significance (1 of 4 stars; one submission).

Allele frequency attached by ClinVar (database versions not stated): gnomAD exomes below 0.00001; ExAC 0.00001; gnomAD 0.00001; 1000 Genomes Project 30x 0.00016; 1000 Genomes Project 0.00020.
gnomAD v4.1: 5 of 1,603,660 alleles (0.00031%); highest among the groups gnomAD compares: African/African-American, 0.0054%; no homozygotes.

Submission:

Labcorp Genetics (formerly Invitae), Labcorp
Classification: Uncertain significance. Last evaluated: 2024-10-29. Review status: criteria provided, single submitter. Criteria: Invitae Variant Classification Sherloc (09022015). Collection method: clinical testing. Allele origin: germline.
Comment: This sequence change replaces leucine, which is neutral and non-polar, with phenylalanine, which is neutral and non-polar, at codon 40 of the ARL2BP protein (p.Leu40Phe). This variant is present in population databases (rs186308074, gnomAD 0.007%). This variant has not been reported in the literature in individuals affected with ARL2BP-related conditions. ClinVar contains an entry for this variant (Variation ID: 2162529). An algorithm developed to predict the effect of missense changes on protein structure and function (PolyPhen-2) suggests that this variant is likely to be disruptive. In summary, the available evidence is currently insufficient to determine the role of this variant in disease. Therefore, it has been classified as a Variant of Uncertain Significance.